The following is an entry in ClinVar:

ClinVar aggregate classification (germline): Uncertain significance (1 of 4 stars; one submission).

Submission:

Labcorp Genetics (formerly Invitae), Labcorp
Classification: Uncertain significance. Last evaluated: 2021-02-08. Review status: criteria provided, single submitter. Criteria: Invitae Variant Classification Sherloc (09022015). Collection method: clinical testing. Allele origin: germline.
Comment: This sequence change replaces isoleucine with phenylalanine at codon 816 of the GRIN2D protein (p.Ile816Phe). The isoleucine residue is moderately conserved and there is a small physicochemical difference between isoleucine and phenylalanine. In summary, the available evidence is currently insufficient to determine the role of this variant in disease. Therefore, it has been classified as a Variant of Uncertain Significance. Algorithms developed to predict the effect of missense changes on protein structure and function are either unavailable or do not agree on the potential impact of this missense change (SIFT: "Deleterious"; PolyPhen-2: "Probably Damaging"; Align-GVGD: "Class C0"). This variant has not been reported in the literature in individuals with GRIN2D-related conditions. This variant is not present in population databases (ExAC no frequency).

NM_000836.4(GRIN2D):c.2446A>T (p.Ile816Phe)

Gene: GRIN2D (glutamate ionotropic receptor NMDA type subunit 2D; plus strand). Cytogenetic location: 19q13.33.
Variant type: single nucleotide variant.
Coding change: c.2446A>T on transcript NM_000836.4 (MANE Select); coding-DNA position 2446, A replaced by T.
Protein change: p.Ile816Phe; replaces isoleucine 816 with phenylalanine.
Molecular consequence: missense variant.
Genome position (GRCh38, 1-based): chr19:48,442,155, A>T. VCF-style: chr19-48442155-A-T. GRCh37 (hg19) VCF-style: chr19-48945412-A-T.
Other names: short protein forms I816F.
Identifiers: ClinVar variation 1464589 (VCV001464589.8), dbSNP rs2147475311, ClinGen allele CA406670024.